The following is an entry in ClinVar:

ClinVar aggregate classification (germline): Pathogenic. Review status: criteria provided, multiple submitters, no conflicts (2 of 4 stars). 2 submissions from 2 submitters: Pathogenic (2). Last evaluated 2024-01-30.

Conditions:
Ataxia-telangiectasia syndrome (AT). Also called: LOUIS-BAR SYNDROME; Cerebello-oculocutaneous telangiectasia; Immunodeficiency with ataxia telangiectasia; Ataxia telangiectasia (A-T); Ataxia-telangiectasia, complementation group D; AT, COMPLEMENTATION GROUP C. Identifiers: Orphanet 100, MedGen C0004135, MONDO:0008840, OMIM 208900.
Familial cancer of breast. Also called: BREAST CANCER, FAMILIAL; Hereditary breast cancer; hereditary breast carcinoma. Identifiers: Orphanet 227535, MedGen C0346153, MONDO:0016419, OMIM 114480. Disease mechanism: loss of function.

Submissions (2):

Myriad Genetics, Inc.
Classification: Pathogenic for Familial cancer of breast. Last evaluated: 2024-01-30. Review status: criteria provided, single submitter. Criteria: Myriad Autosomal Dominant, Autosomal Recessive and X-Linked Classification Criteria (2023). Collection method: clinical testing. Allele origin: unknown.
Comment: This variant is considered pathogenic. This variant creates a frameshift predicted to result in premature protein truncation.

Labcorp Genetics (formerly Invitae), Labcorp
Classification: Pathogenic for Ataxia-telangiectasia syndrome. Last evaluated: 2023-12-11. Review status: criteria provided, single submitter. Criteria: Invitae Variant Classification Sherloc (09022015). Collection method: clinical testing. Allele origin: germline.
Comment: This sequence change creates a premature translational stop signal (p.Glu2294Lysfs*16) in the ATM gene. It is expected to result in an absent or disrupted protein product. Loss-of-function variants in ATM are known to be pathogenic (PMID: 23807571, 25614872). This variant is not present in population databases (gnomAD no frequency). This variant has not been reported in the literature in individuals affected with ATM-related conditions. For these reasons, this variant has been classified as Pathogenic.

Literature cited by the submitters: PubMed 23807571 (cited by Labcorp Genetics (formerly Invitae), Labcorp); PubMed 25614872 (cited by Labcorp Genetics (formerly Invitae), Labcorp).

NM_000051.4(ATM):c.6880del (p.Glu2294fs)

Genes: ATM (ATM serine/threonine kinase; plus strand), C11orf65 (chromosome 11 open reading frame 65; minus strand). Cytogenetic location: 11q22.3.
Variant type: Deletion.
Coding change: c.6880del on transcript NM_000051.4 (MANE Select); coding-DNA position 6880, one base deleted (G; older notation c.6880delG).
Protein change: p.Glu2294fs; shifts the reading frame from glutamic acid 2294.
Molecular consequence: frameshift variant. On other transcripts: intron variant (2).
Genome position (GRCh38, 1-based): chr11:108,326,130, G deleted; the last of 2 consecutive G bases (chr11:108,326,129-108,326,130); deleting either gives the same sequence. VCF-style (leftmost placement, unchanged base first): chr11-108326128-TG-T. GRCh37 (hg19) VCF-style: chr11-108196855-TG-T.
Other names: c.6880del, p.Glu2294fs (NM_001351834.2); c.641-17058del (NM_001330368.2); c.*38+9091del (NM_001351110.2); short protein forms E2294fs.
Identifiers: ClinVar variation 2702161 (VCV002702161.4), dbSNP rs2547216900, ClinGen allele CA2697556941.
Genomic context (GRCh38, chr11:108,326,128, plus strand): 5'-GGGCAATATTTCAAATTAAACAGTACAATTCAGTTAGCTGTGGAGTCTCTGAGTGGCAGC[TG>T]GAAGAAGCACAAGTATTCTGGGCAAAAAAGGAGCAGAGTCTTGCCCTGAGTATTCTCAAG-3'